The following is an entry in ClinVar:

NM_031407.7(HUWE1):c.3742-3C>T

Genes: HUWE1 (HECT, UBA and WWE domain containing E3 ubiquitin protein ligase 1; minus strand), LOC126863263 (BRD4-independent group 4 enhancer GRCh37_chrX:53619238-53620437; plus strand). Cytogenetic location: Xp11.22.
Variant type: single nucleotide variant.
Coding change: c.3742-3C>T on transcript NM_031407.7 (MANE Select); 3 bases into the intron before coding-DNA position 3742, C replaced by T.
Molecular consequence: intron variant.
Genome position (GRCh38, 1-based): chrX:53,592,631, G>A on the plus strand (C>T on the coding strand, the complement: HUWE1 is on the minus strand). VCF-style: chrX-53592631-G-A. GRCh37 (hg19) VCF-style: chrX-53619591-G-A.
Other names: NC_000023.10:g.53619591G>A; c.3742-3C>T (NM_001441048.1, NM_001441051.1, NM_001441049.1 and 6 more transcripts); c.3763-3C>T (NM_001441050.1, NM_001441055.1).
Identifiers: ClinVar variation 4493424 (VCV004493424.2).
Genomic context (GRCh38, chrX:53,592,631, plus strand): 5'-CACCATATACCTTCAGGGGTTTCCGGTTCCATAAGTTTTTGATGCAAGTAAAGGCTGCCT[G>A]TAAGTAATTTGAAAAGTGTGTGAAAATCATTTTGCTTCAATTCAAAGCTCAGAAGGATTA-3'

ClinVar aggregate classification (germline): Uncertain significance (1 of 4 stars; one submission).

gnomAD v4.1: 2 of 1,163,410 alleles (0.00017%); highest among the groups gnomAD compares: Non-Finnish European, 0.00023%; no homozygotes.

Submissions (2):

Labcorp Genetics (formerly Invitae), Labcorp
Classification: Uncertain significance. Last evaluated: 2025-12-16. Review status: criteria provided, single submitter. Criteria: Invitae Variant Classification Sherloc (09022015). Collection method: clinical testing. Allele origin: germline.
Comment: This sequence change falls in intron 32 of the HUWE1 gene. It does not directly change the encoded amino acid sequence of the HUWE1 protein. It affects a nucleotide within the consensus splice site. The frequency data for this variant in the population databases is considered unreliable, as metrics indicate poor data quality at this position in the gnomAD database. This variant has not been reported in the literature in individuals affected with HUWE1-related conditions. Variants that disrupt the consensus splice site are a relatively common cause of aberrant splicing (PMID: 17576681, 9536098). Algorithms developed to predict the effect of sequence changes on RNA splicing suggest that this variant is not likely to affect RNA splicing. In summary, the available evidence is currently insufficient to determine the role of this variant in disease. Therefore, it has been classified as a Variant of Uncertain Significance.

Dr. Peter K. Rogan Lab, Western University
No classification provided (evidence only). Condition: Familial cancer of breast. Review status: no classification provided. Collection method: in vitro. Allele origin: not applicable. Functional consequence: retained intron. Not counted in ClinVar's aggregate classification.

Literature cited by the submitters: PubMed 17576681 (cited by Labcorp Genetics (formerly Invitae), Labcorp); PubMed 9536098 (cited by Labcorp Genetics (formerly Invitae), Labcorp).